The following is an entry in ClinVar:

NM_004006.3(DMD):c.5437A>G (p.Asn1813Asp)

Gene: DMD (dystrophin; minus strand). Cytogenetic location: Xp21.1.
Variant type: single nucleotide variant.
Coding change: c.5437A>G on transcript NM_004006.3 (MANE Select); coding-DNA position 5437, A replaced by G.
Protein change: p.Asn1813Asp; replaces asparagine 1813 with aspartic acid.
Molecular consequence: missense variant.
Genome position (GRCh38, 1-based): chrX:32,348,417, T>C on the plus strand (A>G on the coding strand, the complement: DMD is on the minus strand). VCF-style: chrX-32348417-T-C. GRCh37 (hg19) VCF-style: chrX-32366534-T-C.
Other names: c.5413A>G, p.Asn1805Asp (NM_000109.4); c.5425A>G, p.Asn1809Asp (NM_004009.3); c.5068A>G, p.Asn1690Asp (NM_004010.3); c.1414A>G, p.Asn472Asp (NM_004011.4); c.1405A>G, p.Asn469Asp (NM_004012.4); short protein forms N1690D, N1809D, N1805D, N1813D, N469D, N472D.
Identifiers: ClinVar variation 4752486 (VCV004752486.1).

ClinVar aggregate classification (germline): Uncertain significance (1 of 4 stars; one submission).

Conditions:
Duchenne muscular dystrophy (DMD). Also called: MUSCULAR DYSTROPHY, PSEUDOHYPERTROPHIC PROGRESSIVE, DUCHENNE TYPE; Duchenne Muscular Dystrophy (DMD). Identifiers: Orphanet 98896, MedGen C0013264, MONDO:0010679, OMIM 310200.

gnomAD v4.1: 1 of 1,208,685 alleles (0.000083%); highest among the groups gnomAD compares: Non-Finnish European, 0.00011%; no homozygotes.

Submission:

Labcorp Genetics (formerly Invitae), Labcorp
Classification: Uncertain significance for Duchenne muscular dystrophy. Last evaluated: 2025-04-13. Review status: criteria provided, single submitter. Criteria: Invitae Variant Classification Sherloc (09022015). Collection method: clinical testing. Allele origin: germline.
Comment: This sequence change replaces asparagine, which is neutral and polar, with aspartic acid, which is acidic and polar, at codon 1813 of the DMD protein (p.Asn1813Asp). This variant is not present in population databases (gnomAD no frequency). This variant has not been reported in the literature in individuals affected with DMD-related conditions. Invitae Evidence Modeling of protein sequence and biophysical properties (such as structural, functional, and spatial information, amino acid conservation, physicochemical variation, residue mobility, and thermodynamic stability) indicates that this missense variant is not expected to disrupt DMD protein function with a negative predictive value of 95%. In summary, the available evidence is currently insufficient to determine the role of this variant in disease. Therefore, it has been classified as a Variant of Uncertain Significance.